The following is an entry in ClinVar:

NM_001395159.1(UNC79):c.5542dup (p.Glu1848fs)

Gene: UNC79 (unc-79 subunit of NALCN channel complex; plus strand). Cytogenetic location: 14q32.12.
Variant type: Duplication.
Coding change: c.5542dup on transcript NM_001395159.1 (MANE Select); coding-DNA position 5542, one base duplicated (G; older notation c.5542dupG).
Protein change: p.Glu1848fs; shifts the reading frame from glutamic acid 1848.
Molecular consequence: frameshift variant.
Genome position (GRCh38, 1-based): chr14:93,622,559, G duplicated; the last of 4 consecutive G bases (chr14:93,622,556-93,622,559); duplicating any one gives the same sequence. VCF-style (leftmost placement, unchanged base first): chr14-93622555-T-TG. GRCh37 (hg19) VCF-style: chr14-94088901-T-TG.
Other names: c.5476dup, p.Glu1826fs (NM_001346218.2); c.4795dup, p.Glu1599fs (NM_020818.5); short protein forms E1599fs, E1826fs, E1848fs.
Identifiers: ClinVar variation 4683117 (VCV004683117.1).

ClinVar aggregate classification (germline): Pathogenic (1 of 4 stars; one submission).

Conditions:
UNC79-associated seizure disorder.

Submission:

Institute of Human Genetics, University of Leipzig Medical Center
Classification: Pathogenic for UNC79-associated seizure disorder. Last evaluated: 2025-12-23. Review status: criteria provided, single submitter. Criteria: ACMG Guidelines, 2015. Collection method: clinical testing. Allele origin: unknown. Inheritance: Autosomal dominant inheritance. Affected: yes.
Comment: Criteria applied: PVS1,PM2

Literature cited by the submitters: PubMed 37183800.